The following is an entry in ClinVar:

NM_001567.4(INPPL1):c.2857C>T (p.Arg953Trp)

Gene: INPPL1 (inositol polyphosphate phosphatase like 1; plus strand). Cytogenetic location: 11q13.4.
Variant type: single nucleotide variant.
Coding change: c.2857C>T on transcript NM_001567.4 (MANE Select); coding-DNA position 2857, C replaced by T.
Protein change: p.Arg953Trp; replaces arginine 953 with tryptophan.
Molecular consequence: missense variant.
Genome position (GRCh38, 1-based): chr11:72,235,964, C>T. VCF-style: chr11-72235964-C-T. GRCh37 (hg19) VCF-style: chr11-71947008-C-T.
Other names: c.2857C>T (NM_001567.3); short protein forms R953W.
Identifiers: ClinVar variation 1518492 (VCV001518492.4), dbSNP rs755578014, ClinGen allele CA6170483.

ClinVar aggregate classification (germline): Uncertain significance. Review status: criteria provided, multiple submitters, no conflicts (2 of 4 stars). 2 submissions from 2 submitters: Uncertain significance (2). Last evaluated 2023-12-15.

Conditions:
Inborn genetic diseases. Identifiers: MedGen C0950123, MeSH D030342.

Allele frequency attached by ClinVar (database versions not stated): gnomAD 0.00014 and 0.00016; ExAC 0.00016; TOPMed 0.00018.
gnomAD v4.1: 191 of 1,600,766 alleles (0.012%); highest among the groups gnomAD compares: African/African-American, 0.028%; no homozygotes.

Submissions (2):

Ambry Genetics
Classification: Uncertain significance for Inborn genetic diseases. Last evaluated: 2023-12-15. Review status: criteria provided, single submitter. Criteria: Ambry Variant Classification Scheme 2023. Collection method: clinical testing. Allele origin: germline.

Labcorp Genetics (formerly Invitae), Labcorp
Classification: Uncertain significance. Last evaluated: 2022-07-16. Review status: criteria provided, single submitter. Criteria: Invitae Variant Classification Sherloc (09022015). Collection method: clinical testing. Allele origin: germline.
Comment: This sequence change replaces arginine, which is basic and polar, with tryptophan, which is neutral and slightly polar, at codon 953 of the INPPL1 protein (p.Arg953Trp). This variant is present in population databases (rs755578014, gnomAD 0.03%). This variant has not been reported in the literature in individuals affected with INPPL1-related conditions. ClinVar contains an entry for this variant (Variation ID: 1518492). Algorithms developed to predict the effect of missense changes on protein structure and function are either unavailable or do not agree on the potential impact of this missense change (SIFT: "Deleterious"; PolyPhen-2: "Possibly Damaging"; Align-GVGD: "Class C0"). In summary, the available evidence is currently insufficient to determine the role of this variant in disease. Therefore, it has been classified as a Variant of Uncertain Significance.